The following is an entry in ClinVar:

NM_000051.4(ATM):c.2503del (p.Glu834_Val835insTer)

Gene: ATM (ATM serine/threonine kinase; plus strand). Cytogenetic location: 11q22.3.
Variant type: Deletion.
Coding change: c.2503del on transcript NM_000051.4 (MANE Select); coding-DNA position 2503, one base deleted (G; older notation c.2503delG).
Protein change: p.Glu834_Val835insTer.
Molecular consequence: nonsense.
Genome position (GRCh38, 1-based): chr11:108,267,207, G deleted. VCF-style (leftmost placement, unchanged base first): chr11-108267206-AG-A. GRCh37 (hg19) VCF-style: chr11-108137933-AG-A.
Other names: c.2503delG (NM_000051.3); c.2503del, p.Glu834_Val835insTer (NM_001351834.2).
Identifiers: ClinVar variation 933409 (VCV000933409.11), dbSNP rs2081303007, ClinGen allele CA1139662172.

ClinVar aggregate classification (germline): Pathogenic/Likely pathogenic. Review status: criteria provided, multiple submitters, no conflicts (2 of 4 stars). 5 submissions from 5 submitters: Pathogenic (4); Likely pathogenic (1). Last evaluated 2024-12-23.

Conditions:
Familial cancer of breast. Also called: BREAST CANCER, FAMILIAL; hereditary breast carcinoma; Hereditary breast cancer. Identifiers: Orphanet 227535, MedGen C0346153, MONDO:0016419, OMIM 114480. Disease mechanism: loss of function.
Hereditary cancer-predisposing syndrome. Also called: Tumor predisposition; Hereditary neoplastic syndrome; Neoplastic Syndromes, Hereditary; Hereditary Cancer Syndrome. Identifiers: Orphanet 140162, MedGen C0027672, MeSH D009386, MONDO:0015356.
Ataxia-telangiectasia syndrome (AT). Also called: Ataxia-telangiectasia, complementation group D; Cerebello-oculocutaneous telangiectasia; Immunodeficiency with ataxia telangiectasia; LOUIS-BAR SYNDROME; Ataxia-telangiectasia; AT, COMPLEMENTATION GROUP C. Identifiers: Orphanet 100, MedGen C0004135, MONDO:0008840, OMIM 208900.

Submissions (5):

Ambry Genetics
Classification: Pathogenic for Hereditary cancer-predisposing syndrome. Last evaluated: 2024-12-23. Review status: criteria provided, single submitter. Criteria: Ambry Variant Classification Scheme 2023. Collection method: clinical testing. Allele origin: germline.
Comment: The c.2503delG pathogenic mutation, located in coding exon 16 of the ATM gene, results from a deletion of one nucleotide at nucleotide position 2503, causing a translational frameshift with a predicted alternate stop codon (p.V835*). This variant is considered to be rare based on population cohorts in the Genome Aggregation Database (gnomAD). This alteration is expected to result in loss of function by premature protein truncation or nonsense-mediated mRNA decay. As such, this alteration is interpreted as a disease-causing mutation.

Color Diagnostics, LLC DBA Color Health
Classification: Pathogenic for Hereditary cancer-predisposing syndrome. Last evaluated: 2024-07-26. Review status: criteria provided, single submitter. Criteria: ACMG Guidelines, 2015. Collection method: clinical testing. Allele origin: germline.
Comment: This variant deletes 1 nucleotide in exon 17/63 of the ATM gene, creating a frameshift and premature translation stop signal. This variant is expected to result in an absent or non-functional protein product. To our knowledge, this variant has not been reported in individuals affected with ATM-related disorders in the literature. This variant has not been identified in the general population by the Genome Aggregation Database (gnomAD). Loss of ATM function is a known mechanism of disease. Based on the available evidence, this variant is classified as Pathogenic.

Myriad Genetics, Inc.
Classification: Pathogenic for Familial cancer of breast. Last evaluated: 2024-01-18. Review status: criteria provided, single submitter. Criteria: Myriad Autosomal Dominant, Autosomal Recessive and X-Linked Classification Criteria (2023). Collection method: clinical testing. Allele origin: unknown.
Comment: This variant is considered pathogenic. This variant creates a termination codon and is predicted to result in premature protein truncation.

Baylor Genetics
Classification: Likely pathogenic for Familial cancer of breast. Last evaluated: 2023-09-26. Review status: criteria provided, single submitter. Criteria: ACMG Guidelines, 2015. Collection method: clinical testing. Allele origin: unknown.

Labcorp Genetics (formerly Invitae), Labcorp
Classification: Pathogenic for Ataxia-telangiectasia syndrome. Last evaluated: 2022-06-10. Review status: criteria provided, single submitter. Criteria: Invitae Variant Classification Sherloc (09022015). Collection method: clinical testing. Allele origin: germline.
Comment: This sequence change creates a premature translational stop signal (p.Val835*) in the ATM gene. It is expected to result in an absent or disrupted protein product. Loss-of-function variants in ATM are known to be pathogenic (PMID: 23807571, 25614872). This variant is not present in population databases (gnomAD no frequency). This variant has not been reported in the literature in individuals affected with ATM-related conditions. ClinVar contains an entry for this variant (Variation ID: 933409). For these reasons, this variant has been classified as Pathogenic.

Literature cited by the submitters: PubMed 23807571 (cited by Labcorp Genetics (formerly Invitae), Labcorp); PubMed 25614872 (cited by Labcorp Genetics (formerly Invitae), Labcorp).